The following is an entry in ClinVar:

NM_001080449.3(DNA2):c.570A>T (p.Ile190=)

Gene: DNA2 (DNA replication helicase/nuclease 2; minus strand). Cytogenetic location: 10q21.3.
Variant type: single nucleotide variant.
Coding change: c.570A>T on transcript NM_001080449.3 (MANE Select); coding-DNA position 570, A replaced by T.
Protein change: p.Ile190=; no amino-acid change (isoleucine 190 retained).
Molecular consequence: synonymous variant. On other transcripts: non-coding transcript variant (1).
Genome position (GRCh38, 1-based): chr10:68,465,684, T>A on the plus strand (A>T on the coding strand, the complement: DNA2 is on the minus strand). VCF-style: chr10-68465684-T-A. GRCh37 (hg19) VCF-style: chr10-70225441-T-A.
Identifiers: ClinVar variation 3054112 (VCV003054112.2), dbSNP rs933550344, ClinGen allele CA208185498.
Genomic context (GRCh38, chr10:68,465,684, plus strand): 5'-ATATAATAAAATTATACCTGCAGTTCTTCTTATAACTACTTACATTTCCTTCAAATGTCT[T>A]ATTTCTTGAATTGTTTGAAAAGCAAGTTCTTGTAGCTTTTCTGGGGCAAAGCTATTATTT-3'
Protein context (NP_001073918.2, residues 180-200): QELAFQTIQE[Ile190=]RHLKEMYRLN

ClinVar aggregate classification (germline): Likely benign (0 of 4 stars; one submission).

Conditions:
DNA2-related disorder. Also called: DNA2-related condition.

Allele frequency attached by ClinVar (database versions not stated): gnomAD exomes below 0.00001; gnomAD 0.00001; TOPMed 0.00002.
gnomAD v4.1: 3 of 1,594,936 alleles (0.00019%); highest among the groups gnomAD compares: African/African-American, 0.0041%; no homozygotes.

Submission:

PreventionGenetics, part of Exact Sciences
Classification: Likely benign for DNA2-related condition. Last evaluated: 2020-04-27. Review status: no assertion criteria provided. Collection method: clinical testing. Allele origin: germline.
Comment: This variant is classified as likely benign based on ACMG/AMP sequence variant interpretation guidelines (Richards et al. 2015 PMID: 25741868, with internal and published modifications).